The following is an entry in ClinVar:

NM_002796.3(PSMB4):c.777G>T (p.Met259Ile)

Gene: PSMB4 (proteasome 20S subunit beta 4; plus strand). Cytogenetic location: 1q21.3.
Variant type: single nucleotide variant.
Coding change: c.777G>T on transcript NM_002796.3 (MANE Select); coding-DNA position 777, G replaced by T.
Protein change: p.Met259Ile; replaces methionine 259 with isoleucine.
Molecular consequence: missense variant.
Genome position (GRCh38, 1-based): chr1:151,401,625, G>T. VCF-style: chr1-151401625-G-T. GRCh37 (hg19) VCF-style: chr1-151374101-G-T.
Other names: short protein forms M259I.
Identifiers: ClinVar variation 2042892 (VCV002042892.4), dbSNP rs767547580, ClinGen allele CA341928221.

ClinVar aggregate classification (germline): Uncertain significance (1 of 4 stars; one submission).

Submission:

Labcorp Genetics (formerly Invitae), Labcorp
Classification: Uncertain significance. Last evaluated: 2021-12-14. Review status: criteria provided, single submitter. Criteria: Invitae Variant Classification Sherloc (09022015). Collection method: clinical testing. Allele origin: germline.
Comment: In summary, the available evidence is currently insufficient to determine the role of this variant in disease. Therefore, it has been classified as a Variant of Uncertain Significance. Algorithms developed to predict the effect of missense changes on protein structure and function (SIFT, PolyPhen-2, Align-GVGD) all suggest that this variant is likely to be tolerated. This variant has not been reported in the literature in individuals affected with PSMB4-related conditions. This variant is not present in population databases (gnomAD no frequency). This sequence change replaces methionine, which is neutral and non-polar, with isoleucine, which is neutral and non-polar, at codon 259 of the PSMB4 protein (p.Met259Ile).